The following is an entry in ClinVar:

NC_000016.9:g.(89828431_89831297)_(89851373_89857810)del

Gene: FANCA (FA complementation group A; minus strand). Cytogenetic location: 16q24.3.
Variant type: Deletion.
Identifiers: ClinVar variation 3366547 (VCV003366547.1).

ClinVar aggregate classification (germline): Pathogenic (1 of 4 stars; one submission).

Conditions:
Fanconi anemia (FA). Also called: Fanconi's anemia. Identifiers: Orphanet 84, MedGen C0015625, MeSH D005199, MONDO:0019391.

Submission:

Women's Health and Genetics/Laboratory Corporation of America, LabCorp
Classification: Pathogenic for Fanconi anemia. Last evaluated: 2024-08-28. Review status: criteria provided, single submitter. Criteria: LabCorp Variant Classification Summary - May 2015. Collection method: clinical testing. Allele origin: germline.
Comment: Variant summary: The variant involves the deletion of exons 15-28 in the FANCA gene. A presumed nomenclature of c.(1359+1_1360-1)_(2778+1_2779-1)del has been designated for the purposes of this classification. This Copy Number Variant (CNV) is predicted to result in an in-frame deletion within this gene. The variant was absent in 19932 control chromosomes. c.(1359+1_1360-1)_(2778+1_2779-1)del has been reported in the literature in individuals affected with Fanconi Anemia (e.g. DeRocco_2014, Nicchia_2015, Pilonetto_2017). Additionally, an in-frame deletion within the deleted region (Deletion exons 16-17 Variation ID: 3243252) has been determined to be pathogenic, supporting the critical relevance of this region to FANCA protein function. The following publications have been ascertained in the context of this evaluation (PMID: 24584348, 28717661, 26740942). ClinVar contains an entry for this variant (Variation ID: 974119). Based on the evidence outlined above, the variant was classified as pathogenic.

Literature cited by the submitters: PubMed 24584348; PubMed 26740942; PubMed 28717661.